The following is an entry in ClinVar:

NM_000540.3(RYR1):c.4862A>C (p.Glu1621Ala)

Gene: RYR1 (ryanodine receptor 1; plus strand). Cytogenetic location: 19q13.2.
Variant type: single nucleotide variant.
Coding change: c.4862A>C on transcript NM_000540.3 (MANE Select); coding-DNA position 4862, A replaced by C.
Protein change: p.Glu1621Ala; replaces glutamic acid 1621 with alanine.
Molecular consequence: missense variant.
Genome position (GRCh38, 1-based): chr19:38,483,444, A>C. VCF-style: chr19-38483444-A-C. GRCh37 (hg19) VCF-style: chr19-38974084-A-C.
Other names: c.4862A>C, p.Glu1621Ala (NM_001042723.2); short protein forms E1621A.
Identifiers: ClinVar variation 3373252 (VCV003373252.1).

ClinVar aggregate classification (germline): Uncertain significance (1 of 4 stars; one submission).

Submission:

GeneDx
Classification: Uncertain significance. Last evaluated: 2024-04-30. Review status: criteria provided, single submitter. Criteria: GeneDx Variant Classification Process June 2021. Collection method: clinical testing. Allele origin: germline. Affected: yes.
Comment: Not observed at significant frequency in large population cohorts (gnomAD); In silico analysis supports that this missense variant has a deleterious effect on protein structure/function; Has not been previously published as pathogenic or benign to our knowledge